The following is an entry in ClinVar:

ClinVar aggregate classification (germline): Benign/Likely benign. Review status: criteria provided, multiple submitters, no conflicts (2 of 4 stars). 3 submissions from 3 submitters: Benign (1); Likely benign (1). 1 of the submissions does not count toward it. Last evaluated 2026-01-01.

Conditions:
KMT2B-related disorder. Also called: KMT2B-related disorders; KMT2B-related condition. Identifiers: MedGen CN381338.

Allele frequency attached by ClinVar (database versions not stated): ExAC 0.00003; gnomAD 0.00003; TOPMed 0.00003.

Submissions (3):

CeGaT Center for Human Genetics Tuebingen
Classification: Likely benign. Last evaluated: 2026-01-01. Review status: criteria provided, single submitter. Criteria: CeGaT Center For Human Genetics Tuebingen Variant Classification Criteria Version 2. Collection method: clinical testing. Allele origin: germline. Affected: yes. Observed: 1 variant allele.
Comment: KMT2B: BP4, BP7

Labcorp Genetics (formerly Invitae), Labcorp
Classification: Benign. Last evaluated: 2025-04-09. Review status: criteria provided, single submitter. Criteria: Invitae Variant Classification Sherloc (09022015). Collection method: clinical testing. Allele origin: germline.

PreventionGenetics, part of Exact Sciences
Classification: Likely benign for KMT2B-related condition. Last evaluated: 2019-03-09. Review status: no assertion criteria provided. Collection method: clinical testing. Allele origin: germline. Not counted in ClinVar's aggregate classification.
Comment: This variant is classified as likely benign based on ACMG/AMP sequence variant interpretation guidelines (Richards et al. 2015 PMID: 25741868, with internal and published modifications).

NM_014727.3(KMT2B):c.8016T>C (p.Ile2672=)

Gene: KMT2B (lysine methyltransferase 2B; plus strand). Cytogenetic location: 19q13.12.
Variant type: single nucleotide variant.
Coding change: c.8016T>C on transcript NM_014727.3 (MANE Select); coding-DNA position 8016, T replaced by C.
Protein change: p.Ile2672=; no amino-acid change (isoleucine 2672 retained).
Molecular consequence: synonymous variant.
Genome position (GRCh38, 1-based): chr19:35,738,425, T>C. VCF-style: chr19-35738425-T-C. GRCh37 (hg19) VCF-style: chr19-36229326-T-C.
Other names: c.8016T>C (NM_014727.2).
Identifiers: ClinVar variation 2187256 (VCV002187256.10), dbSNP rs775407913, ClinGen allele CA9386094.